The following is an entry in ClinVar:

NM_001289104.2(PRKCSH):c.976G>A (p.Ala326Thr)

Gene: PRKCSH (PRKCSH beta subunit of glucosidase II; plus strand). Cytogenetic location: 19p13.2.
Variant type: single nucleotide variant.
Coding change: c.976G>A on transcript NM_001289104.2 (MANE Select); coding-DNA position 976, G replaced by A.
Protein change: p.Ala326Thr; replaces alanine 326 with threonine.
Molecular consequence: missense variant.
Genome position (GRCh38, 1-based): chr19:11,447,565, G>A. VCF-style: chr19-11447565-G-A. GRCh37 (hg19) VCF-style: chr19-11558380-G-A.
Other names: p.Ala326Thr; c.976G>A, p.Ala326Thr (NM_001001329.3, NM_001289102.2, NM_001289103.2 and 3 more transcripts); short protein forms A326T.
Identifiers: ClinVar variation 328188 (VCV000328188.22), dbSNP rs140014863, ClinGen allele CA9213094.
Genomic context (GRCh38, chr19:11,447,565, plus strand): 5'-CCAGTGCCCTCGTCGCCCACAGAGGAGGAGGAGGAGGAGGAGGAGGAGGAGGAAGAAGAG[G>A]CTGAAGAAGAGGAGGAGGAGGAGGATTCCGAGGTGCAGGGGGAGCAGCCCAAGGTCCGTG-3'
Protein context (NP_001276033.1, residues 316-336): EEEEEEEEEE[Ala326Thr]EEEEEEEDSE

ClinVar aggregate classification (germline): Benign/Likely benign. Review status: criteria provided, multiple submitters, no conflicts (2 of 4 stars). 9 submissions from 9 submitters: Benign (1); Likely benign (6). 2 of the submissions do not count toward it. Last evaluated 2026-01-09.

Conditions:
Inborn genetic diseases. Identifiers: MedGen C0950123, MeSH D030342.
Polycystic liver disease 1 (PCLD1). Also called: Polycystic liver disease 1 with or without kidney cysts. Identifiers: Orphanet 2924, MedGen C0887850, MONDO:0008265, OMIM 174050.
PRKCSH-related disorder. Also called: PRKCSH-related condition.

Allele frequency attached by ClinVar (database versions not stated): 1000 Genomes Project 30x 0.00031; ESP Exome Variant Server 0.00062; gnomAD exomes 0.00100 and 0.00139; gnomAD 0.00102 and 0.00110; ExAC 0.00111; TOPMed 0.00115.
gnomAD v4.1: 2,163 of 1,600,212 alleles (0.14%); highest among the groups gnomAD compares: Middle Eastern, 0.37%; 4 homozygotes.

Submissions (9):

Labcorp Genetics (formerly Invitae), Labcorp
Classification: Likely benign. Last evaluated: 2026-01-09. Review status: criteria provided, single submitter. Criteria: Invitae Variant Classification Sherloc (09022015). Collection method: clinical testing. Allele origin: germline.

Mayo Clinic Laboratories, Mayo Clinic
Classification: Likely benign. Last evaluated: 2025-04-23. Review status: criteria provided, single submitter. Criteria: ACMG Guidelines, 2015. Collection method: clinical testing. Allele origin: germline. Observed: 1 variant allele.
Comment: BS1, BP4_moderate

Ambry Genetics
Classification: Likely benign for Inborn genetic diseases. Last evaluated: 2024-12-29. Review status: criteria provided, single submitter. Criteria: Ambry Variant Classification Scheme 2023. Collection method: clinical testing. Allele origin: germline.

Blueprint Genetics
Classification: Likely benign. Last evaluated: 2024-11-18. Review status: criteria provided, single submitter. Criteria: ACMG Guidelines, 2015. Collection method: clinical testing. Allele origin: germline.

PreventionGenetics, part of Exact Sciences
Classification: Likely benign for PRKCSH-related condition. Last evaluated: 2024-10-25. Review status: criteria provided, single submitter. Criteria: ACMG Guidelines, 2015. Collection method: clinical testing. Allele origin: germline.
Comment: This variant is classified as likely benign based on ACMG/AMP sequence variant interpretation guidelines (Richards et al. 2015 PMID: 25741868, with internal and published modifications).

Illumina Laboratory Services, Illumina
Classification: Benign for Polycystic liver disease 1. Last evaluated: 2018-01-13. Review status: criteria provided, single submitter. Criteria: ICSL Variant Classification Criteria 13 December 2019. Collection method: clinical testing. Allele origin: germline.
Comment: This variant was observed in the ICSL laboratory as part of a predisposition screen in an ostensibly healthy population. It had not been previously curated by ICSL or reported in the Human Gene Mutation Database (HGMD: prior to June 1st, 2018), and was therefore a candidate for classification through an automated scoring system. Utilizing variant allele frequency, disease prevalence and penetrance estimates, and inheritance mode, an automated score was calculated to assess if this variant is too frequent to cause the disease. Based on the score and internal cut-off values, a variant classified as benign is not then subjected to further curation. The score for this variant resulted in a classification of benign for this disease.

Breakthrough Genomics
Classification: Likely benign. Review status: criteria provided, single submitter. Criteria: ACMG Guidelines, 2015. Collection method: not provided. Allele origin: germline. Inheritance: Autosomal dominant inheritance. Affected: yes.

Clinical Genetics DNA and cytogenetics Diagnostics Lab, Erasmus MC, Erasmus Medical Center
Classification: Likely benign. Review status: no assertion criteria provided. Collection method: clinical testing. Allele origin: germline. Affected: yes. Study: VKGL Data-share Consensus. Not counted in ClinVar's aggregate classification.

Joint Genome Diagnostic Labs from Nijmegen and Maastricht, Radboudumc and MUMC+
Classification: Likely benign. Review status: no assertion criteria provided. Collection method: clinical testing. Allele origin: germline. Affected: yes. Study: VKGL Data-share Consensus. Not counted in ClinVar's aggregate classification.